The following is an entry in ClinVar:

NM_002230.4(JUP):c.909+6C>A

Gene: JUP (junction plakoglobin; minus strand). Cytogenetic location: 17q21.2.
Variant type: single nucleotide variant.
Coding change: c.909+6C>A on transcript NM_002230.4 (MANE Select); 6 bases into the intron after coding-DNA position 909, C replaced by A.
Molecular consequence: intron variant.
Genome position (GRCh38, 1-based): chr17:41,767,373, G>T on the plus strand (C>A on the coding strand, the complement: JUP is on the minus strand). VCF-style: chr17-41767373-G-T. GRCh37 (hg19) VCF-style: chr17-39923625-G-T.
Other names: c.909+6C>A (NM_001352774.2, NM_021991.4, NM_001352776.2 and 3 more transcripts).
Identifiers: ClinVar variation 2157699 (VCV002157699.4), dbSNP rs193922705, ClinGen allele CA8565362.

ClinVar aggregate classification (germline): Uncertain significance (1 of 4 stars; one submission).

Conditions:
Naxos disease (NXD). Also called: KERATOSIS PALMOPLANTARIS WITH ARRHYTHMOGENIC CARDIOMYOPATHY; MAL DE NAXOS; CARDIOMYOPATHY, ARRHYTHMOGENIC RIGHT VENTRICULAR, WITH SKIN, HAIR, AND NAIL ABNORMALITIES; WOOLLY HAIR, PALMOPLANTAR KERATODERMA, AND CARDIAC ABNORMALITIES; PALMOPLANTAR KERATODERMA WITH ARRHYTHMOGENIC RIGHT VENTRICULAR CARDIOMYOPATHY AND WOOLLY HAIR. Identifiers: Orphanet 34217, MedGen C1832600, MONDO:0011017, OMIM 601214.
Arrhythmogenic right ventricular dysplasia 12. Also called: ARRHYTHMOGENIC RIGHT VENTRICULAR DYSPLASIA, FAMILIAL, 12. Identifiers: MedGen C1969081, MONDO:0012684, OMIM 611528.

Allele frequency attached by ClinVar (database versions not stated): 1000 Genomes Project 30x 0.00016.
gnomAD v4.1: 9 of 1,613,538 alleles (0.00056%); highest among the groups gnomAD compares: African/African-American, 0.011%; no homozygotes.

Submission:

Labcorp Genetics (formerly Invitae), Labcorp
Classification: Uncertain significance for Arrhythmogenic right ventricular dysplasia 12; Naxos disease. Last evaluated: 2025-08-10. Review status: criteria provided, single submitter. Criteria: Invitae Variant Classification Sherloc (09022015). Collection method: clinical testing. Allele origin: germline.
Comment: This sequence change falls in intron 5 of the JUP gene. It does not directly change the encoded amino acid sequence of the JUP protein. It affects a nucleotide within the consensus splice site. This variant is present in population databases (rs193922705, gnomAD 0.02%). This variant has not been reported in the literature in individuals affected with JUP-related conditions. ClinVar contains an entry for this variant (Variation ID: 2157699). Variants that disrupt the consensus splice site are a relatively common cause of aberrant splicing (PMID: 17576681, 9536098). Algorithms developed to predict the effect of sequence changes on RNA splicing suggest that this variant is not likely to affect RNA splicing. In summary, the available evidence is currently insufficient to determine the role of this variant in disease. Therefore, it has been classified as a Variant of Uncertain Significance.

Literature cited by the submitters: PubMed 17576681; PubMed 9536098.